The following is an entry in ClinVar:

NM_144670.6(A2ML1):c.3431del (p.Phe1144fs)

Gene: A2ML1 (alpha-2-macroglobulin like 1; plus strand). Cytogenetic location: 12p13.31.
Variant type: Deletion.
Coding change: c.3431del on transcript NM_144670.6 (MANE Select); coding-DNA position 3431, one base deleted (T; older notation c.3431delT).
Protein change: p.Phe1144fs; shifts the reading frame from phenylalanine 1144.
Molecular consequence: frameshift variant.
Genome position (GRCh38, 1-based): chr12:8,861,226, T deleted; the last of 4 consecutive T bases (chr12:8,861,223-8,861,226); deleting any one gives the same sequence. VCF-style (leftmost placement, unchanged base first): chr12-8861222-AT-A. GRCh37 (hg19) VCF-style: chr12-9013818-AT-A.
Other names: c.1958del, p.Phe653fs (NM_001282424.3); short protein forms F1144fs, F653fs.
Identifiers: ClinVar variation 933222 (VCV000933222.2), dbSNP rs776004500, ClinGen allele CA6436381.

ClinVar aggregate classification (germline): Conflicting classifications of pathogenicity. Review status: criteria provided, conflicting classifications (1 of 4 stars). 2 submissions from 2 submitters: Uncertain significance (1); Likely benign (1). Last evaluated 2025-10-13.

Submissions (2):

Labcorp Genetics (formerly Invitae), Labcorp
Classification: Uncertain significance. Last evaluated: 2025-10-13. Review status: criteria provided, single submitter. Criteria: Invitae Variant Classification Sherloc (09022015). Collection method: clinical testing. Allele origin: germline.
Comment: This sequence change creates a premature translational stop signal (p.Phe1144Serfs*17) in the A2ML1 gene. It is expected to result in an absent or disrupted protein product. However, the current clinical and genetic evidence is not sufficient to establish whether loss-of-function variants in A2ML1 cause disease. This variant is present in population databases (rs776004500, gnomAD 0.0009%). This variant has not been reported in the literature in individuals affected with A2ML1-related conditions. ClinVar contains an entry for this variant (Variation ID: 933222). In summary, the available evidence is currently insufficient to determine the role of this variant in disease. Therefore, it has been classified as a Variant of Uncertain Significance.

Department of Human Genetics, University Hospital Magdeburg
Classification: Likely benign. Last evaluated: 2020-07-09. Review status: criteria provided, single submitter. Criteria: ACMG Guidelines, 2015. Collection method: clinical testing. Allele origin: paternal. Inheritance: Autosomal dominant inheritance. Observed: 1 variant allele.